The following is an entry in ClinVar:

NM_025137.4(SPG11):c.4907-10_4911del

Gene: SPG11 (SPG11 vesicle trafficking associated, spatacsin; minus strand). Cytogenetic location: 15q21.1.
Variant type: Deletion.
Coding change: c.4907-10_4911del on transcript NM_025137.4 (MANE Select); 10 bases into the intron before coding-DNA position 4907 through coding-DNA position 4911, 15 bases deleted (TTTGGCACAGGTCCA).
Molecular consequence: splice acceptor variant.
Genome position (GRCh38, 1-based): chr15:44,585,846-44,585,860, TGGACCTGTGCCAAA deleted on the plus strand (TTTGGCACAGGTCCA on the coding strand, the reverse complement: SPG11 is on the minus strand). VCF-style (leftmost placement, unchanged base first): chr15-44585845-CTGGACCTGTGCCAAA-C. GRCh37 (hg19) VCF-style: chr15-44878043-CTGGACCTGTGCCAAA-C.
Other names: c.4907-10_4911del (NM_001160227.2).
Identifiers: ClinVar variation 836685 (VCV000836685.8), dbSNP rs2082751022, ClinGen allele CA916083419.
Genomic context (GRCh38, chr15:44,585,845, plus strand): 5'-GATTAATGGCTATGGATGTATCCTTCAAAATCTGGCAAAGGATGCAAAGCTTTTTCACAT[CTGGACCTGTGCCAAA>C]GAGAAAAGGATATAAACATTTAGTCAATAAAATGCCACTACAGCATTTCAAGAGTAATAC-3'

ClinVar aggregate classification (germline): Likely pathogenic (1 of 4 stars; one submission).

Conditions:
Hereditary spastic paraplegia 11. Also called: Spastic paraplegia, mental retardation and thin corpus callosum; Nakamura Osame syndrome; Autosomal recessive hereditary spastic paraplegia, mental impairment, and thin corpus callosum; SPASTIC PARAPLEGIA, AUTOSOMAL RECESSIVE, COMPLICATED, WITH THIN CORPUS CALLOSUM; SPASTIC PARAPLEGIA, AUTOSOMAL RECESSIVE, WITH MENTAL IMPAIRMENT AND THIN CORPUS CALLOSUM; Spastic Paraplegia 11. Identifiers: Orphanet 2822, MedGen C1858479, MONDO:0011445, OMIM 604360.

Submission:

Labcorp Genetics (formerly Invitae), Labcorp
Classification: Likely pathogenic for Hereditary spastic paraplegia 11. Last evaluated: 2023-08-10. Review status: criteria provided, single submitter. Criteria: Invitae Variant Classification Sherloc (09022015). Collection method: clinical testing. Allele origin: germline.
Comment: In summary, the currently available evidence indicates that the variant is pathogenic, but additional data are needed to prove that conclusively. Therefore, this variant has been classified as Likely Pathogenic. Algorithms developed to predict the effect of sequence changes on RNA splicing suggest that this variant may disrupt the consensus splice site. ClinVar contains an entry for this variant (Variation ID: 836685). This variant has not been reported in the literature in individuals affected with SPG11-related conditions. This variant is not present in population databases (gnomAD no frequency). This variant results in the deletion of part of exon 29 (c.4907-10_4911del) of the SPG11 gene. It is expected to disrupt RNA splicing. Variants that disrupt the donor or acceptor splice site typically lead to a loss of protein function (PMID: 16199547), and loss-of-function variants in SPG11 are known to be pathogenic (PMID: 19105190, 20110243, 22154821, 26556829).

Literature cited by the submitters: PubMed 16199547; PubMed 19105190; PubMed 20110243; PubMed 22154821; PubMed 26556829.